The following is an entry in ClinVar:

NM_000368.5(TSC1):c.2461G>C (p.Val821Leu)

Gene: TSC1 (TSC complex subunit 1; minus strand). Cytogenetic location: 9q34.13.
Variant type: single nucleotide variant.
Coding change: c.2461G>C on transcript NM_000368.5 (MANE Select); coding-DNA position 2461, G replaced by C.
Protein change: p.Val821Leu; replaces valine 821 with leucine.
Molecular consequence: missense variant. On other transcripts: non-coding transcript variant (5), splice donor variant (8).
Genome position (GRCh38, 1-based): chr9:132,901,630, C>G on the plus strand (G>C on the coding strand, the complement: TSC1 is on the minus strand). VCF-style: chr9-132901630-C-G. GRCh37 (hg19) VCF-style: chr9-135777017-C-G.
Other names: c.2305G>C, p.Val769Leu (NM_001406612.1, NM_001406611.1); c.2098G>C, p.Val700Leu (NM_001406614.1, NM_001406615.1, NM_001406616.1 and 4 more transcripts); c.2095G>C, p.Val699Leu (NM_001406620.1, NM_001406621.1, NM_001406622.1 and 1 more transcripts); c.2458G>C, p.Val820Leu (NM_001162426.2, NM_001406597.1, NM_001406598.1 and 2 more transcripts); c.2308G>C, p.Val770Leu (NM_001162427.2, NM_001406610.1); c.2461G>C, p.Val821Leu (NM_001406592.1, NM_001406593.1, NM_001406594.1 and 2 more transcripts); c.2446G>C, p.Val816Leu (NM_001406601.1, NM_001406602.1); c.2443G>C, p.Val815Leu (NM_001406603.1, NM_001406604.1); and 8 more; short protein forms V470L, V821L, V699L, V769L, V816L, V770L, V815L, V503L.
Identifiers: ClinVar variation 2852161 (VCV002852161.4), dbSNP rs1845376276, ClinGen allele CA375358329.
Genomic context (GRCh38, chr9:132,901,630, plus strand): 5'-CTGCCTCATTTCTTCTTACCTTTTGGGAAACCTGACTGAGCAGCAGCTCAGTGTGACACA[C>G]CTTGTTGTTGGCCTTCTTCAGTTCTATCCGCAGCTCCGCAATCATGTTCCTGCAGTCCTC-3'
Protein context (NP_000359.1, residues 811-831): RIELKKANNK[Val821Leu]CHTELLLSQV

ClinVar aggregate classification (germline): Uncertain significance. Review status: criteria provided, multiple submitters, no conflicts (2 of 4 stars). 2 submissions from 2 submitters: Uncertain significance (2). Last evaluated 2024-12-17.

Conditions:
Hereditary cancer-predisposing syndrome. Also called: Hereditary Cancer Syndrome; Hereditary neoplastic syndrome; Neoplastic Syndromes, Hereditary; Tumor predisposition. Identifiers: Orphanet 140162, MedGen C0027672, MeSH D009386, MONDO:0015356.
Tuberous sclerosis 1 (TSC1). Identifiers: Orphanet 805, MedGen C1854465, MONDO:0008612, OMIM 191100.

Submissions (2):

Ambry Genetics
Classification: Uncertain significance for Hereditary cancer-predisposing syndrome. Last evaluated: 2024-12-17. Review status: criteria provided, single submitter. Criteria: Ambry Variant Classification Scheme 2023. Collection method: clinical testing. Allele origin: germline.
Comment: The p.V821L variant (also known as c.2461G>C), located in coding exon 17 of the TSC1 gene, results from a G to C substitution at nucleotide position 2461. The valine at codon 821 is replaced by leucine, an amino acid with highly similar properties. This amino acid position is highly conserved in available vertebrate species. In addition, the in silico prediction for this alteration is inconclusive. Based on the available evidence, the clinical significance of this variant remains unclear.

Labcorp Genetics (formerly Invitae), Labcorp
Classification: Uncertain significance for Tuberous sclerosis 1. Last evaluated: 2023-04-05. Review status: criteria provided, single submitter. Criteria: Invitae Variant Classification Sherloc (09022015). Collection method: clinical testing. Allele origin: germline.
Comment: In summary, the available evidence is currently insufficient to determine the role of this variant in disease. Therefore, it has been classified as a Variant of Uncertain Significance. Algorithms developed to predict the effect of sequence changes on RNA splicing suggest that this variant may disrupt the consensus splice site. Advanced modeling of protein sequence and biophysical properties (such as structural, functional, and spatial information, amino acid conservation, physicochemical variation, residue mobility, and thermodynamic stability) performed at Invitae indicates that this missense variant is not expected to disrupt TSC1 protein function. This variant has not been reported in the literature in individuals affected with TSC1-related conditions. This variant is not present in population databases (gnomAD no frequency). This sequence change replaces valine, which is neutral and non-polar, with leucine, which is neutral and non-polar, at codon 821 of the TSC1 protein (p.Val821Leu).